The following is an entry in ClinVar:

NM_005732.4(RAD50):c.1850del (p.Arg617fs)

Gene: RAD50 (RAD50 double strand break repair protein; plus strand). Cytogenetic location: 5q31.1.
Variant type: Deletion.
Coding change: c.1850del on transcript NM_005732.4 (MANE Select); coding-DNA position 1850, one base deleted (G; older notation c.1850delG).
Protein change: p.Arg617fs; shifts the reading frame from arginine 617.
Molecular consequence: frameshift variant.
Genome position (GRCh38, 1-based): chr5:132,594,925, G deleted. VCF-style (leftmost placement, unchanged base first): chr5-132594924-AG-A. GRCh37 (hg19) VCF-style: chr5-131930616-AG-A.
Other names: short protein forms R617fs.
Identifiers: ClinVar variation 527362 (VCV000527362.7), dbSNP rs1554098589, ClinGen allele CA658796639.

ClinVar aggregate classification (germline): Pathogenic (1 of 4 stars; one submission).

Conditions:
Hereditary cancer-predisposing syndrome. Also called: Neoplastic Syndromes, Hereditary; Tumor predisposition; Hereditary Cancer Syndrome; Hereditary neoplastic syndrome. Identifiers: Orphanet 140162, MedGen C0027672, MeSH D009386, MONDO:0015356.

Submission:

Labcorp Genetics (formerly Invitae), Labcorp
Classification: Pathogenic for Hereditary cancer-predisposing syndrome. Last evaluated: 2021-12-07. Review status: criteria provided, single submitter. Criteria: Invitae Variant Classification Sherloc (09022015). Collection method: clinical testing. Allele origin: germline.
Comment: For these reasons, this variant has been classified as Pathogenic. ClinVar contains an entry for this variant (Variation ID: 527362). This variant has not been reported in the literature in individuals affected with RAD50-related conditions. This variant is not present in population databases (gnomAD no frequency). This sequence change creates a premature translational stop signal (p.Arg617Lysfs*26) in the RAD50 gene. It is expected to result in an absent or disrupted protein product. Loss-of-function variants in RAD50 are known to be pathogenic (PMID: 19409520).

Literature cited by the submitters: PubMed 19409520.